The following is an entry in ClinVar:

ClinVar aggregate classification (germline): Uncertain significance (1 of 4 stars; one submission).

gnomAD v4.1: 3 of 1,613,698 alleles (0.00019%); highest among the groups gnomAD compares: East Asian, 0.0022%; no homozygotes.

Submission:

Labcorp Genetics (formerly Invitae), Labcorp
Classification: Uncertain significance. Last evaluated: 2024-03-01. Review status: criteria provided, single submitter. Criteria: Invitae Variant Classification Sherloc (09022015). Collection method: clinical testing. Allele origin: germline.
Comment: This sequence change replaces arginine, which is basic and polar, with glutamine, which is neutral and polar, at codon 425 of the OSBPL2 protein (p.Arg425Gln). This variant is present in population databases (rs761632270, gnomAD 0.01%). This variant has not been reported in the literature in individuals affected with OSBPL2-related conditions. An algorithm developed to predict the effect of missense changes on protein structure and function (PolyPhen-2) suggests that this variant is likely to be disruptive. In summary, the available evidence is currently insufficient to determine the role of this variant in disease. Therefore, it has been classified as a Variant of Uncertain Significance.

NM_144498.4(OSBPL2):c.1274G>A (p.Arg425Gln)

Gene: OSBPL2 (oxysterol binding protein like 2; plus strand). Cytogenetic location: 20q13.33.
Variant type: single nucleotide variant.
Coding change: c.1274G>A on transcript NM_144498.4 (MANE Select); coding-DNA position 1274, G replaced by A.
Protein change: p.Arg425Gln; replaces arginine 425 with glutamine.
Molecular consequence: missense variant.
Genome position (GRCh38, 1-based): chr20:62,291,727, G>A. VCF-style: chr20-62291727-G-A. GRCh37 (hg19) VCF-style: chr20-60866783-G-A.
Other names: c.874G>A, p.Gly292Ser (NM_001278649.3); c.998G>A, p.Arg333Gln (NM_001363878.2); c.1238G>A, p.Arg413Gln (NM_014835.5); short protein forms R333Q, R425Q, G292S, R413Q.
Identifiers: ClinVar variation 3697500 (VCV003697500.2).
Genomic context (GRCh38, chr20:62,291,727, plus strand): 5'-TCTCTGTCTGACCTAAACTGTTTGCTTGGATCCTAGATCTGGCCAGCCAGGAGAAGGAGC[G>A]GCTGGAGGAGAAGCAGAGAGAAGCACGGAGGGAGCGGGCCAAGGAGGAGGCAGAGTGGCA-3'
Protein context (NP_653081.1, residues 415-435): NMDLASQEKE[Arg425Gln]LEEKQREARR